The following is an entry in ClinVar:

NM_004153.4(ORC1):c.784A>C (p.Ile262Leu)

Gene: ORC1 (origin recognition complex subunit 1; minus strand). Cytogenetic location: 1p32.3.
Variant type: single nucleotide variant.
Coding change: c.784A>C on transcript NM_004153.4 (MANE Select); coding-DNA position 784, A replaced by C.
Protein change: p.Ile262Leu; replaces isoleucine 262 with leucine.
Molecular consequence: missense variant.
Genome position (GRCh38, 1-based): chr1:52,393,741, T>G on the plus strand (A>C on the coding strand, the complement: ORC1 is on the minus strand). VCF-style: chr1-52393741-T-G. GRCh37 (hg19) VCF-style: chr1-52859413-T-G.
Other names: c.784A>C, p.Ile262Leu (NM_001190818.2, NM_001190819.2); short protein forms I262L.
Identifiers: ClinVar variation 4744655 (VCV004744655.1).
Genomic context (GRCh38, chr1:52,393,741, plus strand): 5'-TATCAGGCTGAGATCTCTTAGAAGGTGAGGTGATCTCCGAGAAGGCCACTTTCCGTTTTA[T>G]TCTTCCTGGAGAATCCAAGGAGGCACATGAAGTCTGCTGGGACATCTGAGGGTTACCTAA-3'
Protein context (NP_004144.2, residues 252-272): SCASLDSPGR[Ile262Leu]KRKVAFSEIT

ClinVar aggregate classification (germline): Uncertain significance (1 of 4 stars; one submission).

Submission:

Labcorp Genetics (formerly Invitae), Labcorp
Classification: Uncertain significance. Last evaluated: 2025-02-27. Review status: criteria provided, single submitter. Criteria: Invitae Variant Classification Sherloc (09022015). Collection method: clinical testing. Allele origin: germline.
Comment: This sequence change replaces isoleucine, which is neutral and non-polar, with leucine, which is neutral and non-polar, at codon 262 of the ORC1 protein (p.Ile262Leu). This variant is not present in population databases (gnomAD no frequency). This variant has not been reported in the literature in individuals affected with ORC1-related conditions. Invitae Evidence Modeling of protein sequence and biophysical properties (such as structural, functional, and spatial information, amino acid conservation, physicochemical variation, residue mobility, and thermodynamic stability) indicates that this missense variant is not expected to disrupt ORC1 protein function with a negative predictive value of 80%. In summary, the available evidence is currently insufficient to determine the role of this variant in disease. Therefore, it has been classified as a Variant of Uncertain Significance.